The following is an entry in ClinVar:

NM_001939.3(DRP2):c.1673C>T (p.Pro558Leu)

Gene: DRP2 (dystrophin related protein 2; plus strand). Cytogenetic location: Xq22.1.
Variant type: single nucleotide variant.
Coding change: c.1673C>T on transcript NM_001939.3 (MANE Select); coding-DNA position 1673, C replaced by T.
Protein change: p.Pro558Leu; replaces proline 558 with leucine.
Molecular consequence: missense variant.
Genome position (GRCh38, 1-based): chrX:101,250,555, C>T. VCF-style: chrX-101250555-C-T. GRCh37 (hg19) VCF-style: chrX-100505544-C-T.
Other names: c.1439C>T, p.Pro480Leu (NM_001171184.2); short protein forms P480L, P558L.
Identifiers: ClinVar variation 2998240 (VCV002998240.3), dbSNP rs2520281299, ClinGen allele CA413929218.

ClinVar aggregate classification (germline): Uncertain significance (1 of 4 stars; one submission).

Submission:

Labcorp Genetics (formerly Invitae), Labcorp
Classification: Uncertain significance. Last evaluated: 2022-12-03. Review status: criteria provided, single submitter. Criteria: Invitae Variant Classification Sherloc (09022015). Collection method: clinical testing. Allele origin: germline.
Comment: In summary, the available evidence is currently insufficient to determine the role of this variant in disease. Therefore, it has been classified as a Variant of Uncertain Significance. Advanced modeling of protein sequence and biophysical properties (such as structural, functional, and spatial information, amino acid conservation, physicochemical variation, residue mobility, and thermodynamic stability) performed at Invitae indicates that this missense variant is not expected to disrupt DRP2 protein function. This variant has not been reported in the literature in individuals affected with DRP2-related conditions. This variant is not present in population databases (gnomAD no frequency). This sequence change replaces proline, which is neutral and non-polar, with leucine, which is neutral and non-polar, at codon 558 of the DRP2 protein (p.Pro558Leu).